The following is an entry in ClinVar:

NM_000094.4(COL7A1):c.6261_6262insT (p.Gly2088fs)

Gene: COL7A1 (collagen type VII alpha 1 chain; minus strand). Cytogenetic location: 3p21.31.
Variant type: Insertion.
Coding change: c.6261_6262insT on transcript NM_000094.4 (MANE Select); coding-DNA positions 6261 to 6262, T inserted.
Protein change: p.Gly2088fs; shifts the reading frame from glycine 2088.
Molecular consequence: frameshift variant.
Genome position: GRCh38 VCF-style: chr3-48575081-C-CA. GRCh37 (hg19) VCF-style: chr3-48612514-C-CA.
Other names: short protein forms G2088fs.
Identifiers: ClinVar variation 5013733 (VCV005013733.1).

ClinVar aggregate classification (germline): Pathogenic (1 of 4 stars; one submission).

Conditions:
Recessive dystrophic epidermolysis bullosa (RDEB). Also called: DYSTROPHIC EPIDERMOLYSIS BULLOSA, AUTOSOMAL RECESSIVE; EPIDERMOLYSIS BULLOSA DYSTROPHICA, HALLOPEAU-SIEMENS TYPE; Hallopeau-Siemens Disease; severe generalized recessive dystrophic epidermolysis bullosa; EPIDERMOLYSIS BULLOSA DYSTROPHICA, GENERALIZED SEVERE, AUTOSOMAL RECESSIVE; Epidermolysis Bullosa Distrophica Autosomal Recessive (RDEB). Identifiers: Orphanet 79408, Orphanet 79409, MedGen C0079474, MONDO:0009179, OMIM 226600.

Submission:

Myriad Genetics, Inc.
Classification: Pathogenic for Recessive dystrophic epidermolysis bullosa. Last evaluated: 2024-11-11. Review status: criteria provided, single submitter. Criteria: Myriad Autosomal Dominant, Autosomal Recessive and X-Linked Classification Criteria (2023). Collection method: clinical testing. Allele origin: unknown.
Comment: NM_000094.3(COL7A1):c.6261_6262insT(G2088Wfs*11) is expected to be pathogenic in the context of dystrophic epidermolysis bullosa. This variant is predicted to lead to an abnormal or absent protein product due to the creation of a premature termination codon in COL7A1, a gene where loss-of-function variants are known to be pathogenic. Please note: this variant was assessed in the context of healthy population screening.